The following is an entry in ClinVar:

NM_004863.4(SPTLC2):c.124G>A (p.Ala42Thr)

Gene: SPTLC2 (serine palmitoyltransferase long chain base subunit 2; minus strand). Cytogenetic location: 14q24.3.
Variant type: single nucleotide variant.
Coding change: c.124G>A on transcript NM_004863.4 (MANE Select); coding-DNA position 124, G replaced by A.
Protein change: p.Ala42Thr; replaces alanine 42 with threonine.
Molecular consequence: missense variant.
Genome position (GRCh38, 1-based): chr14:77,616,456, C>T on the plus strand (G>A on the coding strand, the complement: SPTLC2 is on the minus strand). VCF-style: chr14-77616456-C-T. GRCh37 (hg19) VCF-style: chr14-78082799-C-T.
Other names: short protein forms A42T.
Identifiers: ClinVar variation 3016376 (VCV003016376.3), dbSNP rs2503570207, ClinGen allele CA390712039.

ClinVar aggregate classification (germline): Uncertain significance (1 of 4 stars; one submission).

Conditions:
Neuropathy, hereditary sensory and autonomic, type 1C. Also called: HSAN IC; HSN IC. Identifiers: Orphanet 36386, MedGen C3150896, MONDO:0013337, OMIM 613640.

gnomAD v4.1: 17 of 1,485,976 alleles (0.0011%); highest among the groups gnomAD compares: Non-Finnish European, 0.0015%; no homozygotes.

Submission:

Labcorp Genetics (formerly Invitae), Labcorp
Classification: Uncertain significance for Neuropathy, hereditary sensory and autonomic, type 1C. Last evaluated: 2024-04-02. Review status: criteria provided, single submitter. Criteria: Invitae Variant Classification Sherloc (09022015). Collection method: clinical testing. Allele origin: germline.
Comment: This sequence change replaces alanine, which is neutral and non-polar, with threonine, which is neutral and polar, at codon 42 of the SPTLC2 protein (p.Ala42Thr). This variant is not present in population databases (gnomAD no frequency). This variant has not been reported in the literature in individuals affected with SPTLC2-related conditions. An algorithm developed to predict the effect of missense changes on protein structure and function (PolyPhen-2) suggests that this variant is likely to be tolerated. In summary, the available evidence is currently insufficient to determine the role of this variant in disease. Therefore, it has been classified as a Variant of Uncertain Significance.